The following is an entry in ClinVar:

ClinVar aggregate classification (germline): Uncertain significance. Review status: criteria provided, multiple submitters, no conflicts (2 of 4 stars). 3 submissions from 3 submitters: Uncertain significance (3). Last evaluated 2025-06-18.

Conditions:
Inborn genetic diseases. Identifiers: MedGen C0950123, MeSH D030342.

Allele frequency attached by ClinVar (database versions not stated): gnomAD exomes below 0.00001; TOPMed below 0.00001; ExAC 0.00001; gnomAD 0.00001.
gnomAD v4.1: 3 of 1,614,032 alleles (0.00019%); highest among the groups gnomAD compares: Admixed American, 0.0017%; no homozygotes.

Submissions (3):

Ambry Genetics
Classification: Uncertain significance for Inborn genetic diseases. Last evaluated: 2025-06-18. Review status: criteria provided, single submitter. Criteria: Ambry Variant Classification Scheme 2023. Collection method: clinical testing. Allele origin: germline.

GeneDx
Classification: Uncertain significance. Last evaluated: 2024-04-01. Review status: criteria provided, single submitter. Criteria: GeneDx Variant Classification Process June 2021. Collection method: clinical testing. Allele origin: germline. Affected: yes.
Comment: In silico analysis supports that this missense variant has a deleterious effect on protein structure/function; Has not been previously published as pathogenic or benign to our knowledge

Labcorp Genetics (formerly Invitae), Labcorp
Classification: Uncertain significance. Last evaluated: 2023-12-19. Review status: criteria provided, single submitter. Criteria: Invitae Variant Classification Sherloc (09022015). Collection method: clinical testing. Allele origin: germline.
Comment: This sequence change replaces proline, which is neutral and non-polar, with leucine, which is neutral and non-polar, at codon 202 of the ITGB3 protein (p.Pro202Leu). This variant is present in population databases (rs780370658, gnomAD 0.003%). This variant has not been reported in the literature in individuals affected with ITGB3-related conditions. Advanced modeling of protein sequence and biophysical properties (such as structural, functional, and spatial information, amino acid conservation, physicochemical variation, residue mobility, and thermodynamic stability) performed at Invitae indicates that this missense variant is expected to disrupt ITGB3 protein function with a positive predictive value of 80%. In summary, the available evidence is currently insufficient to determine the role of this variant in disease. Therefore, it has been classified as a Variant of Uncertain Significance.

NM_000212.3(ITGB3):c.605C>T (p.Pro202Leu)

Gene: ITGB3 (integrin subunit beta 3; plus strand). Cytogenetic location: 17q21.32.
Variant type: single nucleotide variant.
Coding change: c.605C>T on transcript NM_000212.3 (MANE Select); coding-DNA position 605, C replaced by T.
Protein change: p.Pro202Leu; replaces proline 202 with leucine.
Molecular consequence: missense variant.
Genome position (GRCh38, 1-based): chr17:47,284,686, C>T. VCF-style: chr17-47284686-C-T. GRCh37 (hg19) VCF-style: chr17-45362052-C-T.
Other names: short protein forms P202L.
Identifiers: ClinVar variation 2918555 (VCV002918555.5), dbSNP rs780370658, ClinGen allele CA8622992.